The following is an entry in ClinVar:

ClinVar aggregate classification (germline): Conflicting classifications of pathogenicity. Review status: criteria provided, conflicting classifications (1 of 4 stars). 4 submissions from 4 submitters: Uncertain significance (2); Likely benign (1). 1 of the submissions does not count toward it. Last evaluated 2026-01-25.

Conditions:
Congenital lactic acidosis, Saguenay-Lac-Saint-Jean type (MC4DN5). Also called: MITOCHONDRIAL COMPLEX IV DEFICIENCY, NUCLEAR TYPE 5; CYTOCHROME c OXIDASE DEFICIENCY, FRENCH CANADIAN TYPE; COX DEFICIENCY, FRENCH CANADIAN TYPE. Identifiers: Orphanet 70472, MedGen C1857355, MONDO:0009069, OMIM 220111.

Allele frequency attached by ClinVar (database versions not stated): gnomAD exomes 0.00006 and 0.00021; ExAC 0.00010; gnomAD 0.00013 and 0.00014; TOPMed 0.00014.
gnomAD v4.1: 124 of 1,611,496 alleles (0.0077%); highest among the groups gnomAD compares: Admixed American, 0.038%; no homozygotes.

Submissions (4):

Labcorp Genetics (formerly Invitae), Labcorp
Classification: Likely benign. Last evaluated: 2026-01-25. Review status: criteria provided, single submitter. Criteria: Invitae Variant Classification Sherloc (09022015). Collection method: clinical testing. Allele origin: germline.

GeneDx
Classification: Uncertain significance. Last evaluated: 2024-01-19. Review status: criteria provided, single submitter. Criteria: GeneDx Variant Classification Process June 2021. Collection method: clinical testing. Allele origin: germline. Affected: yes.
Comment: In silico analysis supports that this missense variant has a deleterious effect on protein structure/function; Has not been previously published as pathogenic or benign to our knowledge

Illumina Laboratory Services, Illumina
Classification: Uncertain significance for Congenital lactic acidosis, Saguenay-Lac-Saint-Jean type. Last evaluated: 2018-01-13. Review status: criteria provided, single submitter. Criteria: ICSL Variant Classification Criteria 13 December 2019. Collection method: clinical testing. Allele origin: germline.

Department of Pathology and Laboratory Medicine, Sinai Health System
Classification: Uncertain significance. Review status: no assertion criteria provided. Collection method: clinical testing. Allele origin: unknown. Affected: yes. Study: The Canadian Open Genetics Repository (COGR). Not counted in ClinVar's aggregate classification.
Comment: The LRPPRC p.Arg857Gly variant was not identified in the literature nor was it identified in ClinVar. The variant was identified in dbSNP (ID: rs200138144) and LOVD 3.0 (classified as likely benign). The variant was identified in control databases in 57 of 282320 chromosomes at a frequency of 0.0002019 (Genome Aggregation Database March 6, 2019, v2.1.1). The variant was observed in the following populations: Ashkenazi Jewish in 33 of 10356 chromosomes (freq: 0.003187), Latino in 14 of 35426 chromosomes (freq: 0.000395), Other in 2 of 7208 chromosomes (freq: 0.000278) and European (non-Finnish) in 8 of 128728 chromosomes (freq: 0.000062), but was not observed in the African, East Asian, European (Finnish), or South Asian populations. The p.Arg857 residue is conserved in mammals and computational analyses (PolyPhen-2, SIFT, AlignGVGD, BLOSUM, MutationTaster) provide inconsistent predictions regarding the impact to the protein; this information is not very predictive of pathogenicity. The variant occurs outside of the splicing consensus sequence and in silico or computational prediction software programs (SpliceSiteFinder, MaxEntScan, NNSPLICE, GeneSplicer) do not predict a difference in splicing. In summary, based on the above information the clinical significance of this variant cannot be determined with certainty at this time. This variant is classified as a variant of uncertain significance.

NM_133259.4(LRPPRC):c.2569A>G (p.Arg857Gly)

Gene: LRPPRC (leucine rich pentatricopeptide repeat containing; minus strand). Cytogenetic location: 2p21.
Variant type: single nucleotide variant.
Coding change: c.2569A>G on transcript NM_133259.4 (MANE Select); coding-DNA position 2569, A replaced by G.
Protein change: p.Arg857Gly; replaces arginine 857 with glycine.
Molecular consequence: missense variant.
Genome position (GRCh38, 1-based): chr2:43,934,814, T>C on the plus strand (A>G on the coding strand, the complement: LRPPRC is on the minus strand). VCF-style: chr2-43934814-T-C. GRCh37 (hg19) VCF-style: chr2-44161953-T-C.
Other names: short protein forms R857G.
Identifiers: ClinVar variation 794412 (VCV000794412.16), dbSNP rs200138144, ClinGen allele CA1638417.
Genomic context (GRCh38, chr2:43,934,814, plus strand): 5'-CTTTCTGAATTAGATCAGTCTCGCCTTTCTCTACCAGTTTACACAAGACATCATGAATCC[T>C]TGGTAATACTTTATACTTTTCATAGCAGTCAATGGCGACCTCAAGAGCAGTAGATAGGTC-3'
Protein context (NP_573566.2, residues 847-867): DCYEKYKVLP[Arg857Gly]IHDVLCKLVE